The following is an entry in ClinVar:

NM_000102.4(CYP17A1):c.63del (p.Arg21fs)

Gene: CYP17A1 (cytochrome P450 family 17 subfamily A member 1; minus strand). Cytogenetic location: 10q24.32.
Variant type: Deletion.
Coding change: c.63del on transcript NM_000102.4 (MANE Select); coding-DNA position 63, one base deleted (G; older notation c.63delG).
Protein change: p.Arg21fs; shifts the reading frame from arginine 21.
Molecular consequence: frameshift variant.
Genome position (GRCh38, 1-based): chr10:102,837,299, C deleted on the plus strand (G on the coding strand, the reverse complement: CYP17A1 is on the minus strand); the first of 2 consecutive C bases (chr10:102,837,299-102,837,300); deleting either gives the same sequence. VCF-style (leftmost placement, unchanged base first): chr10-102837298-AC-A. GRCh37 (hg19) VCF-style: chr10-104597055-AC-A.
Other names: short protein forms R21fs.
Identifiers: ClinVar variation 1454329 (VCV001454329.6), dbSNP rs2134085637, ClinGen allele CA2573145430.

ClinVar aggregate classification (germline): Pathogenic (1 of 4 stars; one submission).

Submission:

Labcorp Genetics (formerly Invitae), Labcorp
Classification: Pathogenic. Last evaluated: 2021-09-08. Review status: criteria provided, single submitter. Criteria: Invitae Variant Classification Sherloc (09022015). Collection method: clinical testing. Allele origin: germline.
Comment: For these reasons, this variant has been classified as Pathogenic. This variant has not been reported in the literature in individuals affected with CYP17A1-related conditions. This variant is not present in population databases (ExAC no frequency). This sequence change creates a premature translational stop signal (p.Arg21Serfs*54) in the CYP17A1 gene. It is expected to result in an absent or disrupted protein product. Loss-of-function variants in CYP17A1 are known to be pathogenic (PMID: 17192295, 20197673, 24140098).

Literature cited by the submitters: PubMed 17192295; PubMed 20197673; PubMed 24140098.